The following is an entry in ClinVar:

ClinVar aggregate classification (germline): Uncertain significance. Review status: criteria provided, multiple submitters, no conflicts (2 of 4 stars). 2 submissions from 2 submitters: Uncertain significance (2). Last evaluated 2023-04-11.

Conditions:
Cardiovascular phenotype. Identifiers: MedGen CN230736.
Hereditary cancer-predisposing syndrome. Also called: Neoplastic Syndromes, Hereditary; Tumor predisposition; Hereditary Cancer Syndrome; Hereditary neoplastic syndrome. Identifiers: Orphanet 140162, MedGen C0027672, MeSH D009386, MONDO:0015356.
Neurofibromatosis, type 1 (NF1). Also called: VON RECKLINGHAUSEN DISEASE; NEUROFIBROMATOSIS, TYPE I, SOMATIC; Neurofibromatosis, type I; Peripheral type neurofibromatosis. Identifiers: Orphanet 636, MedGen C0027831, MONDO:0018975, OMIM 162200. Disease mechanism: loss of function.

Allele frequency attached by ClinVar (database versions not stated): ExAC 0.00001; gnomAD exomes 0.00002.
gnomAD v4.1: 26 of 1,610,280 alleles (0.0016%); highest among the groups gnomAD compares: Non-Finnish European, 0.002%; no homozygotes.

Submissions (2):

Labcorp Genetics (formerly Invitae), Labcorp
Classification: Uncertain significance for Neurofibromatosis, type 1. Last evaluated: 2023-04-11. Review status: criteria provided, single submitter. Criteria: Invitae Variant Classification Sherloc (09022015). Collection method: clinical testing. Allele origin: germline.
Comment: In summary, the available evidence is currently insufficient to determine the role of this variant in disease. Therefore, it has been classified as a Variant of Uncertain Significance. Advanced modeling of protein sequence and biophysical properties (such as structural, functional, and spatial information, amino acid conservation, physicochemical variation, residue mobility, and thermodynamic stability) has been performed at Invitae for this missense variant, however the output from this modeling did not meet the statistical confidence thresholds required to predict the impact of this variant on NF1 protein function. ClinVar contains an entry for this variant (Variation ID: 1745859). This variant has not been reported in the literature in individuals affected with NF1-related conditions. This variant is present in population databases (rs749010787, gnomAD 0.0009%). This sequence change replaces histidine, which is basic and polar, with glutamine, which is neutral and polar, at codon 1727 of the NF1 protein (p.His1727Gln).

Ambry Genetics
Classification: Uncertain significance for Cardiovascular phenotype; Hereditary cancer-predisposing syndrome. Last evaluated: 2020-05-07. Review status: criteria provided, single submitter. Criteria: Ambry Variant Classification Scheme 2023. Collection method: clinical testing. Allele origin: germline.
Comment: The p.H1727Q variant (also known as c.5181C>G), located in coding exon 36 of the NF1 gene, results from a C to G substitution at nucleotide position 5181. The histidine at codon 1727 is replaced by glutamine, an amino acid with highly similar properties. This amino acid position is highly conserved in available vertebrate species. In addition, this alteration is predicted to be tolerated by in silico analysis. Since supporting evidence is limited at this time, the clinical significance of this alteration remains unclear.

NM_001042492.3(NF1):c.5244C>G (p.His1748Gln)

Gene: NF1 (neurofibromin 1; plus strand). Cytogenetic location: 17q11.2.
Variant type: single nucleotide variant.
Coding change: c.5244C>G on transcript NM_001042492.3 (MANE Select); coding-DNA position 5244, C replaced by G.
Protein change: p.His1748Gln; replaces histidine 1748 with glutamine.
Molecular consequence: missense variant.
Genome position (GRCh38, 1-based): chr17:31,326,228, C>G. VCF-style: chr17-31326228-C-G. GRCh37 (hg19) VCF-style: chr17-29653246-C-G.
Other names: c.5181C>G, p.His1727Gln (NM_000267.4); short protein forms H1748Q, H1727Q.
Identifiers: ClinVar variation 1745859 (VCV001745859.5), dbSNP rs749010787, ClinGen allele CA8487151.